The following is an entry in ClinVar:

NM_002206.3(ITGA7):c.3233A>G (p.Tyr1078Cys)

Gene: ITGA7 (integrin subunit alpha 7; minus strand). Cytogenetic location: 12q13.2.
Variant type: single nucleotide variant.
Coding change: c.3233A>G on transcript NM_002206.3 (MANE Select); coding-DNA position 3233, A replaced by G.
Protein change: p.Tyr1078Cys; replaces tyrosine 1078 with cysteine.
Molecular consequence: missense variant.
Genome position (GRCh38, 1-based): chr12:55,685,239, T>C on the plus strand (A>G on the coding strand, the complement: ITGA7 is on the minus strand). VCF-style: chr12-55685239-T-C. GRCh37 (hg19) VCF-style: chr12-56079023-T-C.
Other names: c.3245A>G, p.Tyr1082Cys (NM_001144996.2); c.2954A>G, p.Tyr985Cys (NM_001144997.2); c.2906A>G, p.Tyr969Cys (NM_001367993.1); c.1889A>G, p.Tyr630Cys (NM_001367994.1); c.3215A>G, p.Tyr1072Cys (NM_001374465.1); c.3365A>G, p.Tyr1122Cys (NM_001410977.1); c.3227A>G, p.Tyr1076Cys (NM_001414029.1); c.3158A>G, p.Tyr1053Cys (NM_001414030.1); and 6 more; short protein forms Y985C, Y1078C, Y1082C, Y630C, Y969C, Y1072C, Y1122C, Y1017C.
Identifiers: ClinVar variation 1348488 (VCV001348488.7), dbSNP rs1351426569, ClinGen allele CA385180319.
Genomic context (GRCh38, chr12:55,685,239, plus strand): 5'-GTGCCCGTCTTCTCCTCCTTGAACTGCTGTCGGTCTTCCCGAGGAATCTTCACCGCATGG[T>C]ACTGGGGCACGGTGGCCTCGGGGTGCTTCGCCCGTTTGAAGAATCCCATCTATAAGGACA-3'
Protein context (NP_002197.2, residues 1068-1088): AKHPEATVPQ[Tyr1078Cys]HAVKIPREDR

ClinVar aggregate classification (germline): Uncertain significance. Review status: criteria provided, multiple submitters, no conflicts (2 of 4 stars). 2 submissions from 2 submitters: Uncertain significance (2). Last evaluated 2024-06-17.

Conditions:
Congenital muscular dystrophy due to integrin alpha-7 deficiency. Also called: MYOPATHY, CONGENITAL, DUE TO INTEGRIN ALPHA-7 DEFICIENCY; Congenital muscular dystrophy with integrin alpha-7 deficiency; Muscular dystrophy, congenital, due to ITGA7 deficiency. Identifiers: Orphanet 34520, MedGen C2750786, MONDO:0013177, OMIM 613204.

Allele frequency attached by ClinVar (database versions not stated): gnomAD exomes below 0.00001; TOPMed below 0.00001; gnomAD 0.00001.

Submissions (2):

Ambry Genetics
Classification: Uncertain significance. Last evaluated: 2024-06-17. Review status: criteria provided, single submitter. Criteria: Ambry Variant Classification Scheme 2023. Collection method: clinical testing. Allele origin: germline.

Labcorp Genetics (formerly Invitae), Labcorp
Classification: Uncertain significance for Congenital muscular dystrophy due to integrin alpha-7 deficiency. Last evaluated: 2021-10-04. Review status: criteria provided, single submitter. Criteria: Invitae Variant Classification Sherloc (09022015). Collection method: clinical testing. Allele origin: germline.
Comment: In summary, the available evidence is currently insufficient to determine the role of this variant in disease. Therefore, it has been classified as a Variant of Uncertain Significance. Algorithms developed to predict the effect of missense changes on protein structure and function are either unavailable or do not agree on the potential impact of this missense change (SIFT: "Tolerated"; PolyPhen-2: "Probably Damaging"; Align-GVGD: "Class C25"). This variant has not been reported in the literature in individuals affected with ITGA7-related conditions. This variant is not present in population databases (ExAC no frequency). This sequence change replaces tyrosine with cysteine at codon 1078 of the ITGA7 protein (p.Tyr1078Cys). The tyrosine residue is moderately conserved and there is a large physicochemical difference between tyrosine and cysteine.